The following is an entry in ClinVar:

ClinVar aggregate classification (germline): Pathogenic (1 of 4 stars; one submission).

Conditions:
Multiple congenital anomalies-hypotonia-seizures syndrome 1 (MCAHS1). Also called: PIGN-CDG; Congenital disorder of glycosylation due to PIGN deficiency; GLYCOSYLPHOSPHATIDYLINOSITOL BIOSYNTHESIS DEFECT 3. Identifiers: Orphanet 280633, MedGen C3279775, MONDO:0013563, OMIM 614080.

Allele frequency attached by ClinVar (database versions not stated): ExAC 0.00002; gnomAD 0.00002; gnomAD exomes 0.00002; TOPMed 0.00003; ESP Exome Variant Server 0.00008.
gnomAD v4.1: 45 of 1,572,708 alleles (0.0029%); highest among the groups gnomAD compares: Non-Finnish European, 0.0034%; no homozygotes.

Submission:

Labcorp Genetics (formerly Invitae), Labcorp
Classification: Pathogenic for Multiple congenital anomalies-hypotonia-seizures syndrome 1. Last evaluated: 2023-04-25. Review status: criteria provided, single submitter. Criteria: Invitae Variant Classification Sherloc (09022015). Collection method: clinical testing. Allele origin: germline.
Comment: This variant is present in population databases (rs370389707, gnomAD 0.006%). This sequence change creates a premature translational stop signal (p.Lys147*) in the PIGN gene. It is expected to result in an absent or disrupted protein product. Loss-of-function variants in PIGN are known to be pathogenic (PMID: 24253414, 27038415). This variant has not been reported in the literature in individuals affected with PIGN-related conditions. For these reasons, this variant has been classified as Pathogenic. ClinVar contains an entry for this variant (Variation ID: 1358099).

Literature cited by the submitters: PubMed 24253414; PubMed 27038415.

NM_176787.5(PIGN):c.439A>T (p.Lys147Ter)

Gene: PIGN (phosphatidylinositol glycan anchor biosynthesis class N; minus strand). Cytogenetic location: 18q21.33.
Variant type: single nucleotide variant.
Coding change: c.439A>T on transcript NM_176787.5 (MANE Select); coding-DNA position 439, A replaced by T.
Protein change: p.Lys147Ter; replaces lysine 147 with a stop codon.
Molecular consequence: nonsense.
Genome position (GRCh38, 1-based): chr18:62,157,132, T>A on the plus strand (A>T on the coding strand, the complement: PIGN is on the minus strand). VCF-style: chr18-62157132-T-A. GRCh37 (hg19) VCF-style: chr18-59824365-T-A.
Other names: c.439A>T, p.Lys147Ter (NM_012327.6); short protein forms K147*.
Identifiers: ClinVar variation 1358099 (VCV001358099.6), dbSNP rs370389707, ClinGen allele CA8982586.